The following is an entry in ClinVar:

NM_000243.3(MEFV):c.1117C>T (p.Pro373Ser)

Gene: MEFV (MEFV innate immunity regulator, pyrin; minus strand). Cytogenetic location: 16p13.3.
Variant type: single nucleotide variant.
Coding change: c.1117C>T on transcript NM_000243.3 (MANE Select); coding-DNA position 1117, C replaced by T.
Protein change: p.Pro373Ser; replaces proline 373 with serine.
Molecular consequence: missense variant.
Genome position (GRCh38, 1-based): chr16:3,249,574, G>A on the plus strand (C>T on the coding strand, the complement: MEFV is on the minus strand). VCF-style: chr16-3249574-G-A. GRCh37 (hg19) VCF-style: chr16-3299574-G-A.
Other names: c.484C>T, p.Pro162Ser (NM_001198536.2); short protein forms P373S, P162S.
Identifiers: ClinVar variation 565695 (VCV000565695.8), dbSNP rs1567234649, ClinGen allele CA394470181.

ClinVar aggregate classification (germline): Uncertain significance (1 of 4 stars; one submission).

Conditions:
Familial Mediterranean fever (FMF). Also called: POLYSEROSITIS, FAMILIAL PAROXYSMAL; POLYSEROSITIS, RECURRENT; Periodic peritonitis; Benign paroxysmal peritonitis. Identifiers: Orphanet 342, MedGen C0031069, MONDO:0018088, OMIM 249100. Disease mechanism: gain of function.

Submission:

Labcorp Genetics (formerly Invitae), Labcorp
Classification: Uncertain significance for Familial Mediterranean fever. Last evaluated: 2021-05-29. Review status: criteria provided, single submitter. Criteria: Invitae Variant Classification Sherloc (09022015). Collection method: clinical testing. Allele origin: germline.
Comment: This variant is not present in population databases (ExAC no frequency). This sequence change replaces proline with serine at codon 373 of the MEFV protein (p.Pro373Ser). The proline residue is moderately conserved and there is a moderate physicochemical difference between proline and serine. This variant has not been reported in the literature in individuals with MEFV-related conditions. ClinVar contains an entry for this variant (Variation ID: 565695). In summary, the available evidence is currently insufficient to determine the role of this variant in disease. Therefore, it has been classified as a Variant of Uncertain Significance. Algorithms developed to predict the effect of missense changes on protein structure and function are either unavailable or do not agree on the potential impact of this missense change (SIFT: "Tolerated"; PolyPhen-2: "Probably Damaging"; Align-GVGD: "Class C0").